The following is an entry in ClinVar:

NM_001290060.2(SEMA3B):c.1555C>T (p.His519Tyr)

Gene: SEMA3B (semaphorin 3B; plus strand). Cytogenetic location: 3p21.31.
Variant type: single nucleotide variant.
Coding change: c.1555C>T on transcript NM_001290060.2 (MANE Select); coding-DNA position 1555, C replaced by T.
Protein change: p.His519Tyr; replaces histidine 519 with tyrosine.
Molecular consequence: missense variant.
Genome position (GRCh38, 1-based): chr3:50,275,365, C>T. VCF-style: chr3-50275365-C-T. GRCh37 (hg19) VCF-style: chr3-50312796-C-T.
Other names: c.1552C>T, p.His518Tyr (NM_001005914.3); c.1570C>T, p.His524Tyr (NM_001290061.1); c.526C>T, p.His176Tyr (NM_001290062.2, NM_001290063.2); c.1555C>T, p.His519Tyr (NM_004636.4); short protein forms H176Y, H518Y, H519Y, H524Y.
Identifiers: ClinVar variation 3346987 (VCV003346987.1).

ClinVar aggregate classification (germline): Uncertain significance (0 of 4 stars; one submission).

Conditions:
SEMA3B-related disorder. Also called: SEMA3B-related condition.

Submission:

PreventionGenetics, part of Exact Sciences
Classification: Uncertain significance for SEMA3B-related condition. Last evaluated: 2024-08-30. Review status: no assertion criteria provided. Collection method: clinical testing. Allele origin: germline.
Comment: The SEMA3B c.1570C>T variant is predicted to result in the amino acid substitution p.His524Tyr. To our knowledge, this variant has not been reported in the literature or in a large population database, indicating this variant is rare. At this time, the clinical significance of this variant is uncertain due to the absence of conclusive functional and genetic evidence.